The following is an entry in ClinVar:

NM_005476.7(GNE):c.1872G>A (p.Ala624=)

Gene: GNE (glucosamine (UDP-N-acetyl)-2-epimerase/N-acetylmannosamine kinase; minus strand). Cytogenetic location: 9p13.3.
Variant type: single nucleotide variant.
Coding change: c.1872G>A on transcript NM_005476.7 (MANE Select); coding-DNA position 1872, G replaced by A.
Protein change: p.Ala624=; no amino-acid change (alanine 624 retained).
Molecular consequence: synonymous variant.
Genome position (GRCh38, 1-based): chr9:36,218,244, C>T on the plus strand (G>A on the coding strand, the complement: GNE is on the minus strand). VCF-style: chr9-36218244-C-T. GRCh37 (hg19) VCF-style: chr9-36218241-C-T.
Other names: p.Ala655=; c.1965G>A, p.Ala655= (NM_001128227.3); c.1650G>A, p.Ala550= (NM_001190383.3); c.1542G>A, p.Ala514= (NM_001190384.3); c.1695G>A, p.Ala565= (NM_001190388.2, NM_001374798.1); c.1719G>A, p.Ala573= (NM_001374797.1).
Identifiers: ClinVar variation 286172 (VCV000286172.28), dbSNP rs145361930, ClinGen allele CA5056401.

ClinVar aggregate classification (germline): Benign/Likely benign. Review status: criteria provided, multiple submitters, no conflicts (2 of 4 stars). 9 submissions from 9 submitters: Benign (4); Likely benign (4). 1 of the submissions does not count toward it. Last evaluated 2026-09-01.

Conditions:
GNE myopathy (NM). Also called: INCLUSION BODY MYOPATHY, HEREDITARY, AUTOSOMAL RECESSIVE; INCLUSION BODY MYOPATHY 2, AUTOSOMAL RECESSIVE; MYOPATHY, DISTAL, WITH OR WITHOUT RIMMED VACUOLES; IBM 2; Inclusion body myopathy autosomal recessive; Inclusion body myopathy quadriceps sparing. Identifiers: Orphanet 602, MedGen C1853926, MONDO:0011603, OMIM 605820.
Sialuria. Also called: Sialic Acid Storage Disease; SIALURIA, FRENCH TYPE. Identifiers: Orphanet 3166, MedGen C0342853, MONDO:0010028, OMIM 269921.

Allele frequency attached by ClinVar (database versions not stated): 1000 Genomes Project 0.00040; 1000 Genomes Project 30x 0.00047; gnomAD 0.00124 and 0.00126; TOPMed 0.00146; ExAC 0.00149; ESP Exome Variant Server 0.00161; gnomAD exomes 0.00192.
gnomAD v4.1: 1,772 of 1,613,996 alleles (0.11%); highest among the groups gnomAD compares: Middle Eastern, 0.15%; 22 homozygotes.

Submissions (9):

CeGaT Center for Human Genetics Tuebingen
Classification: Likely benign. Last evaluated: 2026-09-01. Review status: criteria provided, single submitter. Criteria: CeGaT Center For Human Genetics Tuebingen Variant Classification Criteria Version 2. Collection method: clinical testing. Allele origin: germline. Affected: yes. Observed: 1 variant allele.
Comment: GNE: BP4, BP7

Labcorp Genetics (formerly Invitae), Labcorp
Classification: Likely benign for Sialuria; GNE myopathy. Last evaluated: 2026-02-01. Review status: criteria provided, single submitter. Criteria: Invitae Variant Classification Sherloc (09022015). Collection method: clinical testing. Allele origin: germline.

Mayo Clinic Laboratories, Mayo Clinic
Classification: Benign. Last evaluated: 2025-01-29. Review status: criteria provided, single submitter. Criteria: ACMG Guidelines, 2015. Collection method: clinical testing. Allele origin: germline. Observed: 7 variant alleles.
Comment: BA1

GeneDx
Classification: Likely benign. Last evaluated: 2021-03-11. Review status: criteria provided, single submitter. Criteria: GeneDx Variant Classification Process June 2021. Collection method: clinical testing. Allele origin: germline. Affected: yes.

Athena Diagnostics
Classification: Benign. Last evaluated: 2020-12-03. Review status: criteria provided, single submitter. Criteria: Athena Diagnostics criteria. Collection method: clinical testing. Allele origin: unknown.

Illumina Laboratory Services, Illumina
Classification: Benign for Sialuria. Last evaluated: 2018-01-13. Review status: criteria provided, single submitter. Criteria: ICSL Variant Classification Criteria 13 December 2019. Collection method: clinical testing. Allele origin: germline.
Comment: This variant was observed in the ICSL laboratory as part of a predisposition screen in an ostensibly healthy population. It had not been previously curated by ICSL or reported in the Human Gene Mutation Database (HGMD: prior to June 1st, 2018), and was therefore a candidate for classification through an automated scoring system. Utilizing variant allele frequency, disease prevalence and penetrance estimates, and inheritance mode, an automated score was calculated to assess if this variant is too frequent to cause the disease. Based on the score and internal cut-off values, a variant classified as benign is not then subjected to further curation. The score for this variant resulted in a classification of benign for this disease.

Eurofins Ntd Llc (ga)
Classification: Benign. Last evaluated: 2017-01-31. Review status: criteria provided, single submitter. Criteria: EGL Classification Definitions 2015. Collection method: clinical testing. Allele origin: germline. Observed: 10 variant alleles, 10 heterozygotes.

Breakthrough Genomics
Classification: Likely benign. Review status: criteria provided, single submitter. Criteria: ACMG Guidelines, 2015. Collection method: not provided. Allele origin: germline. Inheritance: Autosomal recessive inheritance. Affected: yes.

Natera, Inc.
Classification: Benign for Nonaka myopathy. Last evaluated: 2019-12-04. Review status: no assertion criteria provided. Collection method: clinical testing. Allele origin: germline. Not counted in ClinVar's aggregate classification.